The following is an entry in ClinVar:

ClinVar aggregate classification (germline): Likely pathogenic (1 of 4 stars; one submission).

Conditions:
Cohen syndrome (COH1). Also called: PEPPER SYNDROME; Cutis verticis gyrata, retinitis pigmentosa, and sensorineural deafness. Identifiers: Orphanet 193, MedGen C0265223, MONDO:0008999, OMIM 216550.

Submission:

Natera, Inc.
Classification: Likely pathogenic for Cohen syndrome. Last evaluated: 2024-08-22. Review status: criteria provided, single submitter. Criteria: Natera Variant Classification Schema (03/2026). Collection method: clinical testing. Allele origin: germline.
Comment: The c.11306_11307dup variant in VPS13B is a frameshift variant predicted to shift the reading frame and introduce a stop codon. This variant is expected to result in nonsense mediated decay, truncation, or a dysfunctional protein product. This variant is rare in the general population with a frequency below the threshold expected for the associated phenotype(s). Given the available evidence, this variant is classified as Likely Pathogenic.

NM_152564.5(VPS13B):c.11231_11232dup (p.Val3745Ter)

Gene: VPS13B (vacuolar protein sorting 13 homolog B; plus strand). Cytogenetic location: 8q22.2.
Variant type: Microsatellite.
Coding change: c.11231_11232dup on transcript NM_152564.5 (MANE Select); coding-DNA positions 11231 to 11232, 2 bases duplicated (TA; older notation c.11231_11232dupTA).
Protein change: p.Val3745Ter; replaces valine 3745 with a stop codon.
Molecular consequence: nonsense. On other transcripts: frameshift variant (2).
Genome position (GRCh38, 1-based): chr8:99,868,304-99,868,305, TA duplicated; duplicating any 2 consecutive bases within chr8:99,868,302-99,868,305 gives the same sequence; the c. name uses the placement nearest the transcript's 3' end. VCF-style (leftmost placement, unchanged base first): chr8-99868301-G-GTA. GRCh37 (hg19) VCF-style: chr8-100880529-G-GTA.
Other names: c.11304_11305TA[3], p.Val3770Terfs (NM_017890.4); c.11306_11307dup, p.Val3770Ter (NM_017890.5); c.11306_11307dup (NM_017890.4); short protein forms V3745*, V3770*.
Identifiers: ClinVar variation 4815927 (VCV004815927.1).